The following is an entry in ClinVar:

ClinVar aggregate classification (germline): Benign/Likely benign. Review status: criteria provided, multiple submitters, no conflicts (2 of 4 stars). 2 submissions from 2 submitters: Benign (1); Likely benign (1). Last evaluated 2024-03-12.

Conditions:
Familial adenomatous polyposis 1 (FAP1). Also called: FAMILIAL ADENOMATOUS POLYPOSIS 1, ATTENUATED; POLYPOSIS, ADENOMATOUS INTESTINAL. Identifiers: MedGen C2713442, MONDO:0021056, OMIM 175100. Disease mechanism: loss of function.

Submissions (2):

Myriad Genetics, Inc.
Classification: Benign for Familial adenomatous polyposis 1. Last evaluated: 2024-03-12. Review status: criteria provided, single submitter. Criteria: Myriad Autosomal Dominant, Autosomal Recessive and X-Linked Classification Criteria (2023). Collection method: clinical testing. Allele origin: unknown.
Comment: This variant is considered benign. This variant is a silent/synonymous amino acid change and it is not expected to impact splicing.

Labcorp Genetics (formerly Invitae), Labcorp
Classification: Likely benign for Familial adenomatous polyposis 1. Last evaluated: 2021-03-15. Review status: criteria provided, single submitter. Criteria: Invitae Variant Classification Sherloc (09022015). Collection method: clinical testing. Allele origin: germline.

NM_000038.6(APC):c.2448T>C (p.Thr816=)

Gene: APC (APC regulator of Wnt signaling pathway; plus strand). Cytogenetic location: 5q22.2.
Variant type: single nucleotide variant.
Coding change: c.2448T>C on transcript NM_000038.6 (MANE Select); coding-DNA position 2448, T replaced by C.
Protein change: p.Thr816=; no amino-acid change (threonine 816 retained).
Molecular consequence: synonymous variant.
Genome position (GRCh38, 1-based): chr5:112,838,042, T>C. VCF-style: chr5-112838042-T-C. GRCh37 (hg19) VCF-style: chr5-112173739-T-C.
Other names: c.2448T>C, p.Thr816= (NM_001127510.3, NM_001354895.2); c.2394T>C, p.Thr798= (NM_001127511.3); c.2502T>C, p.Thr834= (NM_001354896.2); c.2478T>C, p.Thr826= (NM_001354897.2); c.2373T>C, p.Thr791= (NM_001354898.2); c.2364T>C, p.Thr788= (NM_001354899.2); c.2325T>C, p.Thr775= (NM_001354900.2); c.2271T>C, p.Thr757= (NM_001354901.2); and 5 more.
Identifiers: ClinVar variation 1541266 (VCV001541266.9), dbSNP rs2149869717, ClinGen allele CA445963496.